The following is an entry in ClinVar:

ClinVar aggregate classification (germline): Uncertain significance (1 of 4 stars; one submission).

Conditions:
Cowden syndrome 7 (CWS7). Identifiers: Orphanet 201, MedGen C4225179, MONDO:0014802, OMIM 616858.

Submission:

Baylor Genetics
Classification: Uncertain significance for Cowden syndrome 7. Last evaluated: 2020-03-20. Review status: criteria provided, single submitter. Criteria: ACMG Guidelines, 2015. Collection method: clinical testing. Allele origin: de novo. Affected: yes.
Comment: This variant was determined to be of uncertain significance according to ACMG Guidelines, 2015 [PMID:25741868].

NM_006363.6(SEC23B):c.574A>C (p.Thr192Pro)

Genes: SEC23B (SEC23 homolog B, COPII coat complex component; plus strand), LOC126862987 (MED14-independent group 3 enhancer GRCh37_chr20:18504796-18505995; plus strand). Cytogenetic location: 20p11.23.
Variant type: single nucleotide variant.
Coding change: c.574A>C on transcript NM_006363.6 (MANE Select); coding-DNA position 574, A replaced by C.
Protein change: p.Thr192Pro; replaces threonine 192 with proline.
Molecular consequence: missense variant.
Genome position (GRCh38, 1-based): chr20:18,524,640, A>C. VCF-style: chr20-18524640-A-C. GRCh37 (hg19) VCF-style: chr20-18505284-A-C.
Other names: c.574A>C, p.Thr192Pro (NM_001172745.3, NM_032985.6, NM_032986.5); c.520A>C, p.Thr174Pro (NM_001172746.3); short protein forms T174P, T192P.
Identifiers: ClinVar variation 1030102 (VCV001030102.1), dbSNP rs2060118203, ClinGen allele CA408358676.